The following is an entry in ClinVar:

ClinVar aggregate classification (germline): Uncertain significance (1 of 4 stars; one submission).

Conditions:
Early-infantile DEE. Also called: Early infantile epileptic encephalopathy; Ohtahara syndrome; Early infantile epileptic encephalopathy with suppression bursts. Identifiers: Orphanet 1934, MedGen C0393706, MONDO:0800491.

gnomAD v4.1: 1 of 1,611,938 alleles (0.000062%); highest among the groups gnomAD compares: South Asian, 0.0011%; no homozygotes.

Submission:

Labcorp Genetics (formerly Invitae), Labcorp
Classification: Uncertain significance for Early-infantile DEE. Last evaluated: 2024-10-21. Review status: criteria provided, single submitter. Criteria: Invitae Variant Classification Sherloc (09022015). Collection method: clinical testing. Allele origin: germline.
Comment: This sequence change replaces isoleucine, which is neutral and non-polar, with valine, which is neutral and non-polar, at codon 1400 of the SCN1A protein (p.Ile1400Val). This variant is not present in population databases (gnomAD no frequency). This variant has not been reported in the literature in individuals affected with SCN1A-related conditions. Invitae Evidence Modeling of protein sequence and biophysical properties (such as structural, functional, and spatial information, amino acid conservation, physicochemical variation, residue mobility, and thermodynamic stability) indicates that this missense variant is not expected to disrupt SCN1A protein function with a negative predictive value of 95%. In summary, the available evidence is currently insufficient to determine the role of this variant in disease. Therefore, it has been classified as a Variant of Uncertain Significance.

NM_001165963.4(SCN1A):c.4198A>G (p.Ile1400Val)

Genes: SCN1A (sodium voltage-gated channel alpha subunit 1; minus strand), LOC102724058 (uncharacterized LOC102724058; plus strand). Cytogenetic location: 2q24.3.
Variant type: single nucleotide variant.
Coding change: c.4198A>G on transcript NM_001165963.4 (MANE Select); coding-DNA position 4198, A replaced by G.
Protein change: p.Ile1400Val; replaces isoleucine 1400 with valine.
Molecular consequence: missense variant. On other transcripts: non-coding transcript variant (1).
Genome position (GRCh38, 1-based): chr2:166,002,558, T>C on the plus strand (A>G on the coding strand, the complement: SCN1A is on the minus strand). VCF-style: chr2-166002558-T-C. GRCh37 (hg19) VCF-style: chr2-166859068-T-C.
Other names: c.4198A>G, p.Ile1400Val (NM_001202435.3, NM_001353948.2); c.4165A>G, p.Ile1389Val (NM_001353949.2, NM_001353950.2, NM_001353951.2 and 2 more transcripts); c.4162A>G, p.Ile1388Val (NM_001353954.2, NM_001353955.2); c.4114A>G, p.Ile1372Val (NM_001353957.2, NM_001165964.3, NM_001353958.2); c.4111A>G, p.Ile1371Val (NM_001353960.2); c.1756A>G, p.Ile586Val (NM_001353961.2); short protein forms I1371V, I1388V, I1389V, I586V, I1400V, I1372V.
Identifiers: ClinVar variation 3634017 (VCV003634017.2).